The following is an entry in ClinVar:

NM_006230.4(POLD2):c.1378G>C (p.Asp460His)

Gene: POLD2 (DNA polymerase delta 2, accessory subunit; minus strand). Cytogenetic location: 7p13.
Variant type: single nucleotide variant.
Coding change: c.1378G>C on transcript NM_006230.4 (MANE Select); coding-DNA position 1378, G replaced by C.
Protein change: p.Asp460His; replaces aspartic acid 460 with histidine.
Molecular consequence: missense variant.
Genome position (GRCh38, 1-based): chr7:44,114,817, C>G on the plus strand (G>C on the coding strand, the complement: POLD2 is on the minus strand). VCF-style: chr7-44114817-C-G. GRCh37 (hg19) VCF-style: chr7-44154416-C-G.
Other names: c.1378G>C, p.Asp460His (NM_001127218.3, NM_001256879.2); short protein forms D460H.
Identifiers: ClinVar variation 2026927 (VCV002026927.4), dbSNP rs752936314, ClinGen allele CA367378293.

ClinVar aggregate classification (germline): Uncertain significance (1 of 4 stars; one submission).

gnomAD v4.1: 3 of 1,613,136 alleles (0.00019%); highest among the groups gnomAD compares: Non-Finnish European, 0.00025%; no homozygotes.

Submission:

Labcorp Genetics (formerly Invitae), Labcorp
Classification: Uncertain significance. Last evaluated: 2022-08-24. Review status: criteria provided, single submitter. Criteria: Invitae Variant Classification Sherloc (09022015). Collection method: clinical testing. Allele origin: germline.
Comment: This variant is not present in population databases (gnomAD no frequency). This sequence change replaces aspartic acid, which is acidic and polar, with histidine, which is basic and polar, at codon 495 of the POLD2 protein (p.Asp495His). This variant has not been reported in the literature in individuals affected with POLD2-related conditions. In summary, the available evidence is currently insufficient to determine the role of this variant in disease. Therefore, it has been classified as a Variant of Uncertain Significance. Algorithms developed to predict the effect of missense changes on protein structure and function are either unavailable or do not agree on the potential impact of this missense change (SIFT: "Deleterious"; PolyPhen-2: "Not Available"; Align-GVGD: "Class C0").